The following is an entry in ClinVar:

NM_001142800.2(EYS):c.5054C>G (p.Ser1685Ter)

Gene: EYS (EGF-like photoreceptor maintenance factor; minus strand). Cytogenetic location: 6q12.
Variant type: single nucleotide variant.
Coding change: c.5054C>G on transcript NM_001142800.2 (MANE Select); coding-DNA position 5054, C replaced by G.
Protein change: p.Ser1685Ter; replaces serine 1685 with a stop codon.
Molecular consequence: nonsense.
Genome position (GRCh38, 1-based): chr6:64,590,813, G>C on the plus strand (C>G on the coding strand, the complement: EYS is on the minus strand). VCF-style: chr6-64590813-G-C. GRCh37 (hg19) VCF-style: chr6-65300706-G-C.
Other names: c.5054C>G, p.Ser1685Ter (NM_001292009.2); short protein forms S1685*.
Identifiers: ClinVar variation 1401155 (VCV001401155.9), dbSNP rs1293996279, ClinGen allele CA364781957.

ClinVar aggregate classification (germline): Pathogenic. Review status: criteria provided, multiple submitters, no conflicts (2 of 4 stars). 4 submissions from 4 submitters: Pathogenic (4). Last evaluated 2026-06-08.

Conditions:
Retinal dystrophy. Also called: Inherited retinal dystrophy. Identifiers: Orphanet 71862, MedGen C0854723, MeSH D058499, MONDO:0019118, HP:0000556.
Retinitis pigmentosa (RP). Identifiers: Orphanet 791, MedGen C0035334, MeSH D012174, MONDO:0019200, OMIM 268000. Inheritance: Autosomal dominant, autosomal recessive and X linked inheritance.
Retinitis pigmentosa 25 (RP25). Identifiers: Orphanet 791, MedGen C1864446, MONDO:0011272, OMIM 602772.

Allele frequency attached by ClinVar (database versions not stated): gnomAD 0.00001; gnomAD exomes 0.00001.
gnomAD v4.1: 3 of 1,549,630 alleles (0.00019%); highest among the groups gnomAD compares: South Asian, 0.0036%; no homozygotes.

Submissions (4):

Women's Health and Genetics/Laboratory Corporation of America, LabCorp
Classification: Pathogenic for Retinitis pigmentosa. Last evaluated: 2026-06-08. Review status: criteria provided, single submitter. Criteria: LabCorp Variant Classification Summary - May 2015. Collection method: clinical testing. Allele origin: germline.
Comment: Variant summary: EYS c.5054C>G (p.Ser1685X) results in a premature termination codon, predicted to cause a truncation of the encoded protein or absence of the protein due to nonsense mediated decay, which are commonly known mechanisms for disease. The variant allele was found at a frequency of 6.6e-06 in 151980 control chromosomes. To our knowledge, no occurrence of c.5054C>G in individuals affected with EYS-related conditions and no experimental evidence demonstrating its impact on protein function have been reported. ClinVar contains an entry for this variant (Variation ID: 1401155). Based on the evidence outlined above, the variant was classified as pathogenic.

3billion
Classification: Pathogenic for Retinitis pigmentosa 25. Last evaluated: 2025-04-16. Review status: criteria provided, single submitter. Criteria: ACMG Guidelines, 2015. Collection method: clinical testing. Allele origin: germline. Affected: yes.
Comment: The variant is observed at an extremely low frequency in the gnomAD v4.1.0 dataset (total allele frequency: <0.001%). Predicted Consequence/Location: Stop-gained (nonsense): predicted to result in a loss or disruption of normal protein function through nonsense-mediated decay (NMD) or protein truncation. Multiple pathogenic variants are reported downstream of the variant. The variant was homozygous. The variant has been reported at least twice as pathogenic without evidence for the classification (ClinVar ID: VCV001401155). Therefore, this variant is classified as Pathogenic according to the recommendation of ACMG/AMP guideline.

Labcorp Genetics (formerly Invitae), Labcorp
Classification: Pathogenic. Last evaluated: 2023-06-16. Review status: criteria provided, single submitter. Criteria: Invitae Variant Classification Sherloc (09022015). Collection method: clinical testing. Allele origin: germline.
Comment: This sequence change creates a premature translational stop signal (p.Ser1685*) in the EYS gene. It is expected to result in an absent or disrupted protein product. Loss-of-function variants in EYS are known to be pathogenic (PMID: 18836446, 20333770). This variant is present in population databases (no rsID available, gnomAD 0.004%). This variant has not been reported in the literature in individuals affected with EYS-related conditions. ClinVar contains an entry for this variant (Variation ID: 1401155). For these reasons, this variant has been classified as Pathogenic.

Institute of Human Genetics, Univ. Regensburg, Univ. Regensburg
Classification: Pathogenic for Retinal dystrophy. Last evaluated: 2022-01-01. Review status: criteria provided, single submitter. Criteria: ACMG Guidelines, 2015. Collection method: clinical testing. Allele origin: germline. Affected: yes.

Literature cited by the submitters: PubMed 18836446 (cited by Labcorp Genetics (formerly Invitae), Labcorp); PubMed 20333770 (cited by Labcorp Genetics (formerly Invitae), Labcorp); PubMed 31964843 (cited by Institute of Human Genetics, Univ. Regensburg, Univ. Regensburg).